The following is an entry in ClinVar:

ClinVar aggregate classification (germline): Uncertain significance (1 of 4 stars; one submission).

Conditions:
Familial cold autoinflammatory syndrome 3 (FCAS3). Also called: FAMILIAL ATYPICAL COLD URTICARIA; ANTIBODY DEFICIENCY AND IMMUNE DYSREGULATION, PLCG2-ASSOCIATED. Identifiers: Orphanet 300359, MedGen C3280914, MONDO:0013766, OMIM 614468.

Allele frequency attached by ClinVar (database versions not stated): gnomAD exomes below 0.00001; ExAC 0.00001; TOPMed 0.00001.
gnomAD v4.1: 5 of 1,613,754 alleles (0.00031%); highest among the groups gnomAD compares: Non-Finnish European, 0.00034%; no homozygotes.

Submission:

Labcorp Genetics (formerly Invitae), Labcorp
Classification: Uncertain significance for Familial cold autoinflammatory syndrome 3. Last evaluated: 2024-07-10. Review status: criteria provided, single submitter. Criteria: Invitae Variant Classification Sherloc (09022015). Collection method: clinical testing. Allele origin: germline.
Comment: This sequence change replaces arginine, which is basic and polar, with cysteine, which is neutral and slightly polar, at codon 1133 of the PLCG2 protein (p.Arg1133Cys). This variant is present in population databases (rs779014379, gnomAD 0.01%). This variant has not been reported in the literature in individuals affected with PLCG2-related conditions. ClinVar contains an entry for this variant (Variation ID: 571483). An algorithm developed to predict the effect of missense changes on protein structure and function (PolyPhen-2) suggests that this variant is likely to be disruptive. In summary, the available evidence is currently insufficient to determine the role of this variant in disease. Therefore, it has been classified as a Variant of Uncertain Significance.

NM_002661.5(PLCG2):c.3397C>T (p.Arg1133Cys)

Gene: PLCG2 (phospholipase C gamma 2; plus strand). Cytogenetic location: 16q23.3.
Variant type: single nucleotide variant.
Coding change: c.3397C>T on transcript NM_002661.5 (MANE Select); coding-DNA position 3397, C replaced by T.
Protein change: p.Arg1133Cys; replaces arginine 1133 with cysteine.
Molecular consequence: missense variant.
Genome position (GRCh38, 1-based): chr16:81,939,975, C>T. VCF-style: chr16-81939975-C-T. GRCh37 (hg19) VCF-style: chr16-81973580-C-T.
Other names: short protein forms R1133C.
Identifiers: ClinVar variation 571483 (VCV000571483.3), dbSNP rs779014379, ClinGen allele CA8194706.